The following is an entry in ClinVar:

ClinVar aggregate classification (germline): Likely benign (1 of 4 stars; one submission).

gnomAD v4.1: 9,834 of 1,394,832 alleles (0.71%); highest among the groups gnomAD compares: Non-Finnish European, 0.8%; 52 homozygotes.

Submission:

CeGaT Center for Human Genetics Tuebingen
Classification: Likely benign. Last evaluated: 2025-12-01. Review status: criteria provided, single submitter. Criteria: CeGaT Center For Human Genetics Tuebingen Variant Classification Criteria Version 2. Collection method: clinical testing. Allele origin: germline. Affected: yes. Observed: 1 variant allele.
Comment: ZFPM1: BS2

NM_153813.3(ZFPM1):c.1321G>A (p.Ala441Thr)

Gene: ZFPM1 (zinc finger protein, FOG family member 1; plus strand). Cytogenetic location: 16q24.2.
Variant type: single nucleotide variant.
Coding change: c.1321G>A on transcript NM_153813.3 (MANE Select); coding-DNA position 1321, G replaced by A.
Protein change: p.Ala441Thr; replaces alanine 441 with threonine.
Molecular consequence: missense variant.
Genome position (GRCh38, 1-based): chr16:88,533,279, G>A. VCF-style: chr16-88533279-G-A. GRCh37 (hg19) VCF-style: chr16-88599687-G-A.
Other names: short protein forms A441T.
Identifiers: ClinVar variation 4681331 (VCV004681331.5).